The following is an entry in ClinVar:

NM_004260.4(RECQL4):c.660_661del (p.Ile221fs)

Gene: RECQL4 (RecQ like helicase 4; minus strand). Cytogenetic location: 8q24.3.
Variant type: Deletion.
Coding change: c.660_661del on transcript NM_004260.4 (MANE Select); coding-DNA positions 660 to 661, 2 bases deleted (GA; older notation c.660_661delGA).
Protein change: p.Ile221fs; shifts the reading frame from isoleucine 221.
Molecular consequence: frameshift variant. On other transcripts: 5 prime UTR variant (15), non-coding transcript variant (3), intron variant (3).
Genome position (GRCh38, 1-based): chr8:144,516,458-144,516,459, TC deleted on the plus strand (GA on the coding strand, the reverse complement: RECQL4 is on the minus strand). VCF-style (leftmost placement, unchanged base first): chr8-144516457-ATC-A. GRCh37 (hg19) VCF-style: chr8-145741841-ATC-A.
Other names: c.660_661del, p.Ile221fs (NM_001413017.1, NM_001413018.1, NM_001413019.1 and 4 more transcripts); c.-412_-411del (NM_001413022.1, NM_001413023.1, NM_001413024.1 and 5 more transcripts); c.531_532del, p.Ile178fs (NM_001413025.1); c.-474_-473del (NM_001413027.1, NM_001413030.1, NM_001413031.1 and 2 more transcripts); c.-316_-315del (NM_001413034.1); c.-681_-680del (NM_001413043.1); c.355-46_355-45del (NM_001413029.1); c.-366-46_-366-45del (NM_001413021.1, NM_001413028.1); short protein forms I178fs, I221fs.
Identifiers: ClinVar variation 2772875 (VCV002772875.3), dbSNP rs2538093798, ClinGen allele CA2579283177.
Genomic context (GRCh38, chr8:144,516,457, plus strand): 5'-GCTGAAGCCTCTGGGCCCTGGGAGCCAGCACCAGGACCAAGGACAGCCGACTCACCAGGG[ATC>A]AGAAGTTGTGATTCCTCTGAGCCTAGATCAGGCCTGCAGGCTTTGGGGGCCCCCAGAAAA-3'

ClinVar aggregate classification (germline): Pathogenic (1 of 4 stars; one submission).

Conditions:
Baller-Gerold syndrome (BGS). Also called: CRANIOSYNOSTOSIS WITH RADIAL DEFECTS. Identifiers: Orphanet 1225, MedGen C0265308, MONDO:0009039, OMIM 218600.

Submission:

Labcorp Genetics (formerly Invitae), Labcorp
Classification: Pathogenic for Baller-Gerold syndrome. Last evaluated: 2024-07-19. Review status: criteria provided, single submitter. Criteria: Invitae Variant Classification Sherloc (09022015). Collection method: clinical testing. Allele origin: germline.
Comment: This sequence change creates a premature translational stop signal (p.Ile221Profs*3) in the RECQL4 gene. It is expected to result in an absent or disrupted protein product. Loss-of-function variants in RECQL4 are known to be pathogenic (PMID: 12734318, 12952869). This variant is not present in population databases (gnomAD no frequency). This variant has not been reported in the literature in individuals affected with RECQL4-related conditions. For these reasons, this variant has been classified as Pathogenic.

Literature cited by the submitters: PubMed 12734318; PubMed 12952869.